The following is an entry in ClinVar:

NM_000186.4(CFH):c.245-9dup

Gene: CFH (complement factor H; plus strand). Cytogenetic location: 1q31.3.
Variant type: Duplication.
Coding change: c.245-9dup on transcript NM_000186.4 (MANE Select); 9 bases into the intron before coding-DNA position 245, one base duplicated (T; older notation c.245-9dupT).
Molecular consequence: intron variant.
Genome position (GRCh38, 1-based): chr1:196,673,848, T duplicated; the last of 9 consecutive T bases (chr1:196,673,840-196,673,848); duplicating any one gives the same sequence. VCF-style (leftmost placement, unchanged base first): chr1-196673839-C-CT. GRCh37 (hg19) VCF-style: chr1-196642969-C-CT.
Other names: c.245-9dup (NM_001014975.3); c.245-9dupT (NM_000186.4).
Identifiers: ClinVar variation 1553720 (VCV001553720.12), dbSNP rs35507625, ClinGen allele CA1304988.

ClinVar aggregate classification (germline): Benign/Likely benign. Review status: criteria provided, multiple submitters, no conflicts (2 of 4 stars). 8 submissions from 5 submitters: Benign (6); Likely benign (2). Last evaluated 2026-02-05.

Conditions:
Basal laminar drusen. Also called: DRUSEN OF BRUCH MEMBRANE; DRUSEN, CUTICULAR; DRUSEN, EARLY ADULT-ONSET, GROUPED. Identifiers: Orphanet 75376, MedGen C0730295, MONDO:0007472, OMIM 126700.
Hemolytic uremic syndrome, atypical, susceptibility to, 1. Also called: AHUS, SUSCEPTIBILITY TO, 1. Identifiers: Orphanet 2134, Orphanet 90038, MedGen C2749604, MONDO:0009335, OMIM 235400. Disease mechanism: Other.
Factor H deficiency (CFHD). Also called: CFH DEFICIENCY; COMPLEMENT FACTOR H DEFICIENCY. Identifiers: Orphanet 200421, MedGen C0398777, MONDO:0012350, OMIM 609814.
Age related macular degeneration 4. Identifiers: MedGen C1853147, MONDO:0012540, OMIM 610698.

Submissions (8):

Women's Health and Genetics/Laboratory Corporation of America, LabCorp
Classification: Benign. Last evaluated: 2026-02-05. Review status: criteria provided, single submitter. Criteria: LabCorp Variant Classification Summary - May 2015. Collection method: clinical testing. Allele origin: germline.
Comment: Variant summary: CFH c.245-9dupT alters a nucleotide located at a position not widely known to affect splicing. Consensus agreement among computation tools predict no significant impact on normal splicing. However, these predictions have yet to be confirmed by functional studies. The variant allele was found at a frequency of 0.0028 in 30882 control chromosomes, predominantly at a frequency of 0.0098 within the African or African-American subpopulation in the gnomAD database. The observed variant frequency within African or African-American control individuals in the gnomAD database exceeds the estimated maximal expected allele frequency for disease-causing variants in CFH. To our knowledge, no occurrence of c.245-9dupT in individuals affected with CFH-related conditions and no experimental evidence demonstrating its impact on protein function have been reported. ClinVar contains an entry for this variant (Variation ID: 1553720). Based on the evidence outlined above, the variant was classified as benign.

Labcorp Genetics (formerly Invitae), Labcorp
Classification: Benign. Last evaluated: 2026-01-05. Review status: criteria provided, single submitter. Criteria: Invitae Variant Classification Sherloc (09022015). Collection method: clinical testing. Allele origin: germline.

Blueprint Genetics
Classification: Likely benign. Last evaluated: 2024-11-18. Review status: criteria provided, single submitter. Criteria: ACMG Guidelines, 2015. Collection method: clinical testing. Allele origin: germline.

Genome-Nilou Lab
Classification: Benign for Hemolytic uremic syndrome, atypical, susceptibility to, 1. Last evaluated: 2023-04-11. Review status: criteria provided, single submitter. Criteria: ACMG Guidelines, 2015. Collection method: clinical testing. Allele origin: germline. Affected: no.

Genome-Nilou Lab
Classification: Benign for Age related macular degeneration 4. Last evaluated: 2023-04-11. Review status: criteria provided, single submitter. Criteria: ACMG Guidelines, 2015. Collection method: clinical testing. Allele origin: germline. Affected: no.

Genome-Nilou Lab
Classification: Benign for Basal laminar drusen. Last evaluated: 2023-04-11. Review status: criteria provided, single submitter. Criteria: ACMG Guidelines, 2015. Collection method: clinical testing. Allele origin: germline. Affected: no.

Genome-Nilou Lab
Classification: Benign for Factor H deficiency. Last evaluated: 2023-04-11. Review status: criteria provided, single submitter. Criteria: ACMG Guidelines, 2015. Collection method: clinical testing. Allele origin: germline. Affected: no.

Fulgent Genetics
Classification: Likely benign for Basal laminar drusen; Hemolytic uremic syndrome, atypical, susceptibility to, 1; Factor H deficiency; Age related macular degeneration 4. Last evaluated: 2021-12-22. Review status: criteria provided, single submitter. Criteria: ACMG Guidelines, 2015. Collection method: clinical testing. Allele origin: unknown.